The following is an entry in ClinVar:

ClinVar aggregate classification (germline): Likely benign. Review status: criteria provided, single submitter (1 of 4 stars). 2 submissions from 2 submitters: Likely benign (1). 1 of the submissions does not count toward it. Last evaluated 2023-03-09.

Conditions:
PCNT-related disorder. Also called: PCNT-related condition.

Allele frequency attached by ClinVar (database versions not stated): ExAC 0.00001; gnomAD exomes 0.00001; TOPMed 0.00002; gnomAD 0.00003; ESP Exome Variant Server 0.00008.
gnomAD v4.1: 13 of 1,614,028 alleles (0.00081%); highest among the groups gnomAD compares: African/African-American, 0.004%; no homozygotes.

Submissions (2):

Labcorp Genetics (formerly Invitae), Labcorp
Classification: Likely benign. Last evaluated: 2023-03-09. Review status: criteria provided, single submitter. Criteria: Invitae Variant Classification Sherloc (09022015). Collection method: clinical testing. Allele origin: germline.

PreventionGenetics, part of Exact Sciences
Classification: Likely benign for PCNT-related condition. Last evaluated: 2021-08-25. Review status: no assertion criteria provided. Collection method: clinical testing. Allele origin: germline. Not counted in ClinVar's aggregate classification.
Comment: This variant is classified as likely benign based on ACMG/AMP sequence variant interpretation guidelines (Richards et al. 2015 PMID: 25741868, with internal and published modifications).

NM_006031.6(PCNT):c.1618C>T (p.Leu540=)

Gene: PCNT (pericentrin; plus strand). Cytogenetic location: 21q22.3.
Variant type: single nucleotide variant.
Coding change: c.1618C>T on transcript NM_006031.6 (MANE Select); coding-DNA position 1618, C replaced by T.
Protein change: p.Leu540=; no amino-acid change (leucine 540 retained).
Molecular consequence: synonymous variant.
Genome position (GRCh38, 1-based): chr21:46,353,265, C>T. VCF-style: chr21-46353265-C-T. GRCh37 (hg19) VCF-style: chr21-47773179-C-T.
Other names: c.1264C>T, p.Leu422= (NM_001315529.2); c.1618C>T (NM_006031.5).
Identifiers: ClinVar variation 1929216 (VCV001929216.6), dbSNP rs376041016, ClinGen allele CA10078673.
Genomic context (GRCh38, chr21:46,353,265, plus strand): 5'-AGGATTTATTTTGAAAAGAAGTTAAGGGATGCTGAGAAAACTTACCAAGAAGACCTAACC[C>T]TGTTACAGCAGAGGCTGCAGGGGGCGAGGGAAGATGCTCTTCTGGACTCTGTGGAAGTTG-3'
Protein context (NP_006022.3, residues 530-550): AEKTYQEDLT[Leu540=]LQQRLQGARE